The following is an entry in ClinVar:

ClinVar aggregate classification (germline): Conflicting classifications of pathogenicity. Review status: criteria provided, conflicting classifications (1 of 4 stars). 7 submissions from 7 submitters: Uncertain significance (5); Likely benign (2). Last evaluated 2026-01-28.

Conditions:
PALB2-related disorder. Also called: PALB2-related condition; PALB2-related disorders.
Hereditary cancer-predisposing syndrome. Also called: Tumor predisposition; Hereditary Cancer Syndrome; Hereditary neoplastic syndrome; Neoplastic Syndromes, Hereditary. Identifiers: Orphanet 140162, MedGen C0027672, MeSH D009386, MONDO:0015356.
Familial cancer of breast. Also called: BREAST CANCER, FAMILIAL; Hereditary breast cancer; hereditary breast carcinoma. Identifiers: Orphanet 227535, MedGen C0346153, MONDO:0016419, OMIM 114480. Disease mechanism: loss of function.

Allele frequency attached by ClinVar (database versions not stated): gnomAD exomes 0.00001.

Submissions (7):

Labcorp Genetics (formerly Invitae), Labcorp
Classification: Uncertain significance for Familial cancer of breast. Last evaluated: 2026-01-28. Review status: criteria provided, single submitter. Criteria: Invitae Variant Classification Sherloc (09022015). Collection method: clinical testing. Allele origin: germline.
Comment: This sequence change replaces arginine, which is basic and polar, with lysine, which is basic and polar, at codon 196 of the PALB2 protein (p.Arg196Lys). This variant is present in population databases (rs730881904, gnomAD 0.002%). This missense change has been observed in individual(s) with pancreatic cancer (PMID: 28767289, 32659497). ClinVar contains an entry for this variant (Variation ID: 182785). An algorithm developed to predict the effect of missense changes on protein structure and function outputs the following: PolyPhen-2: "Benign". The lysine amino acid residue is found in multiple mammalian species, which suggests that this missense change does not adversely affect protein function. In summary, the available evidence is currently insufficient to determine the role of this variant in disease. Therefore, it has been classified as a Variant of Uncertain Significance.

Ambry Genetics
Classification: Likely benign for Hereditary cancer-predisposing syndrome. Last evaluated: 2025-07-23. Review status: criteria provided, single submitter. Criteria: Ambry Variant Classification Scheme 2023. Collection method: clinical testing. Allele origin: germline.

Quest Diagnostics Nichols Institute San Juan Capistrano
Classification: Uncertain significance. Last evaluated: 2025-03-28. Review status: criteria provided, single submitter. Criteria: Quest Diagnostics criteria. Collection method: clinical testing. Allele origin: unknown.
Comment: The PALB2 c.587G>A (p.Arg196Lys) variant has been reported in the published literature in an individual with pancreatic cancer (PMID:32659497 (2020)) as well as in a reportedly unaffected individual in a large scale breast cancer association study (PMID: 33471991 (2021), see also LOVD). The frequency of this variant in the general population (Genome Aggregation Database) is uninformative in the assessment of its pathogenicity. Analysis of this variant using bioinformatics tools for the prediction of the effect of amino acid changes on protein structure and function yielded predictions that this variant is benign. Based on the available information, we are unable to determine the clinical significance of this variant.

Myriad Genetics, Inc.
Classification: Likely benign for Familial cancer of breast. Last evaluated: 2023-11-27. Review status: criteria provided, single submitter. Criteria: Myriad Autosomal Dominant, Autosomal Recessive and X-Linked Classification Criteria (2023). Collection method: clinical testing. Allele origin: unknown.
Comment: This variant is considered likely benign. This variant is strongly associated with less severe personal and family histories of cancer, typical for individuals without pathogenic variants in this gene [PMID: 25085752].

PreventionGenetics, part of Exact Sciences
Classification: Uncertain significance for PALB2-related condition. Last evaluated: 2023-03-17. Review status: criteria provided, single submitter. Criteria: ACMG Guidelines, 2015. Collection method: clinical testing. Allele origin: germline.
Comment: The PALB2 c.587G>A variant is predicted to result in the amino acid substitution p.Arg196Lys. This variant has been reported with uncertain significance, in the heterozygous state, in an individual with pancreatic ductal adenocarcinoma and with a family history of prostate cancer (Patient Case ID Case_5*16, Table A2, Shindo et al. 2017. PubMed ID: 28767289). The c.587G>A variant was also reported with uncertain significance in a study of individuals with pancreatic ductal adenocarcinoma (eAppendix, Supplementary Table 2, Hu et al. 2020. PubMed ID: 32659497). This variant is reported in 0.0018% of alleles in individuals of European (Non-Finnish) descent in gnomAD and is reported as a variant of uncertain significance in ClinVar. At this time, the clinical significance of this variant is uncertain due to the absence of conclusive functional and genetic evidence.

GeneDx
Classification: Uncertain significance. Last evaluated: 2023-01-25. Review status: criteria provided, single submitter. Criteria: GeneDx Variant Classification Process June 2021. Collection method: clinical testing. Allele origin: germline. Affected: yes.
Comment: Not observed at a significant frequency in large population cohorts (gnomAD); In silico analysis supports that this missense variant does not alter protein structure/function; Observed in an individual with pancreatic cancer (Shindo et al., 2017); This variant is associated with the following publications: (PMID: 32659497, 20871615, 19369211, 28767289)

Color Diagnostics, LLC DBA Color Health
Classification: Uncertain significance for Hereditary cancer-predisposing syndrome. Last evaluated: 2022-07-07. Review status: criteria provided, single submitter. Criteria: ACMG Guidelines, 2015. Collection method: clinical testing. Allele origin: germline.
Comment: This missense variant replaces arginine with lysine at codon 196 of the PALB2 protein. Computational prediction tool suggests that this variant may not impact protein structure and function (internally defined REVEL score threshold <=0.5, PMID: 27666373). To our knowledge, functional studies have not been reported for this variant. This variant has been reported in individuals affected with pancreatic cancer (PMID: 28767289, 32659497) and detected in a breast cancer case-control meta-analysis in 0/60466 cases and 1/53461 unaffected individuals (PMID: 33471991; Leiden Open Variation Database DB-ID PALB2_011157). This variant has been identified in 2/251414 chromosomes in the general population by the Genome Aggregation Database (gnomAD). The available evidence is insufficient to determine the role of this variant in disease conclusively. Therefore, this variant is classified as a Variant of Uncertain Significance.

Literature cited by the submitters: PubMed 28767289 (cited by 4 submitters); PubMed 32659497 (cited by 4 submitters); PubMed 33471991 (cited by 3 submitters); PubMed 25085752 (cited by Myriad Genetics, Inc.).

NM_024675.4(PALB2):c.587G>A (p.Arg196Lys)

Gene: PALB2 (partner and localizer of BRCA2; minus strand). Cytogenetic location: 16p12.2.
Variant type: single nucleotide variant.
Coding change: c.587G>A on transcript NM_024675.4 (MANE Select); coding-DNA position 587, G replaced by A.
Protein change: p.Arg196Lys; replaces arginine 196 with lysine.
Molecular consequence: missense variant.
Genome position (GRCh38, 1-based): chr16:23,635,959, C>T on the plus strand (G>A on the coding strand, the complement: PALB2 is on the minus strand). VCF-style: chr16-23635959-C-T. GRCh37 (hg19) VCF-style: chr16-23647280-C-T.
Other names: p.R196K:AGA>AAA; short protein forms R196K.
Identifiers: ClinVar variation 182785 (VCV000182785.30), dbSNP rs730881904, ClinGen allele CA299781.
Genomic context (GRCh38, chr16:23,635,959, plus strand): 5'-ATTTCTGTAACTGGTTCTGGAGAATCTGGAAGTTCAGATTTAAGACTTAAAAGGTGAGTT[C>T]TTATTTCAGTTACTGGTGATCTAGCAGGATTTTTGCTACTGATTTCTTCCTGTTCCTTTA-3'
Protein context (NP_078951.2, residues 186-206): NPARSPVTEI[Arg196Lys]THLLSLKSEL